The following is an entry in ClinVar:

ClinVar aggregate classification (germline): Uncertain significance (1 of 4 stars; one submission).

Submission:

Labcorp Genetics (formerly Invitae), Labcorp
Classification: Uncertain significance. Last evaluated: 2023-06-15. Review status: criteria provided, single submitter. Criteria: Invitae Variant Classification Sherloc (09022015). Collection method: clinical testing. Allele origin: germline.
Comment: In summary, the available evidence is currently insufficient to determine the role of this variant in disease. Therefore, it has been classified as a Variant of Uncertain Significance. Advanced modeling of protein sequence and biophysical properties (such as structural, functional, and spatial information, amino acid conservation, physicochemical variation, residue mobility, and thermodynamic stability) performed at Invitae indicates that this missense variant is expected to disrupt EMC1 protein function. This variant has not been reported in the literature in individuals affected with EMC1-related conditions. This variant is not present in population databases (gnomAD no frequency). This sequence change replaces threonine, which is neutral and polar, with asparagine, which is neutral and polar, at codon 217 of the EMC1 protein (p.Thr217Asn).

NM_015047.3(EMC1):c.650C>A (p.Thr217Asn)

Genes: EMC1 (ER membrane protein complex subunit 1; minus strand), EMC1-AS1 (EMC1 antisense RNA 1; plus strand). Cytogenetic location: 1p36.13.
Variant type: single nucleotide variant.
Coding change: c.650C>A on transcript NM_015047.3 (MANE Select); coding-DNA position 650, C replaced by A.
Protein change: p.Thr217Asn; replaces threonine 217 with asparagine.
Molecular consequence: missense variant. On other transcripts: non-coding transcript variant (1).
Genome position (GRCh38, 1-based): chr1:19,240,433, G>T on the plus strand (C>A on the coding strand, the complement: EMC1 is on the minus strand). VCF-style: chr1-19240433-G-T. GRCh37 (hg19) VCF-style: chr1-19566927-G-T.
Other names: c.650C>A, p.Thr217Asn (NM_001271427.2, NM_001271428.2, NM_001375820.1 and 1 more transcripts); c.584C>A, p.Thr195Asn (NM_001271429.2); short protein forms T195N, T217N.
Identifiers: ClinVar variation 2716686 (VCV002716686.3), dbSNP rs2536785177, ClinGen allele CA338769314.